The following is an entry in ClinVar:

ClinVar aggregate classification (germline): Uncertain significance (1 of 4 stars; one submission).

Allele frequency attached by ClinVar (database versions not stated): ExAC 0.00001; gnomAD exomes 0.00001; gnomAD 0.00002; TOPMed 0.00002; 1000 Genomes Project 30x 0.00016; 1000 Genomes Project 0.00020.

Submission:

Labcorp Genetics (formerly Invitae), Labcorp
Classification: Uncertain significance. Last evaluated: 2022-03-05. Review status: criteria provided, single submitter. Criteria: Invitae Variant Classification Sherloc (09022015). Collection method: clinical testing. Allele origin: germline.
Comment: This sequence change replaces methionine, which is neutral and non-polar, with isoleucine, which is neutral and non-polar, at codon 195 of the CNGB3 protein (p.Met195Ile). This variant is present in population databases (rs201255984, gnomAD 0.01%). This variant has not been reported in the literature in individuals affected with CNGB3-related conditions. Advanced modeling of protein sequence and biophysical properties (such as structural, functional, and spatial information, amino acid conservation, physicochemical variation, residue mobility, and thermodynamic stability) performed at Invitae indicates that this missense variant is not expected to disrupt CNGB3 protein function. In summary, the available evidence is currently insufficient to determine the role of this variant in disease. Therefore, it has been classified as a Variant of Uncertain Significance.

NM_019098.5(CNGB3):c.585G>A (p.Met195Ile)

Gene: CNGB3 (cyclic nucleotide gated channel subunit beta 3; minus strand). Cytogenetic location: 8q21.3.
Variant type: single nucleotide variant.
Coding change: c.585G>A on transcript NM_019098.5 (MANE Select); coding-DNA position 585, G replaced by A.
Protein change: p.Met195Ile; replaces methionine 195 with isoleucine.
Molecular consequence: missense variant.
Genome position (GRCh38, 1-based): chr8:86,668,077, C>T on the plus strand (G>A on the coding strand, the complement: CNGB3 is on the minus strand). VCF-style: chr8-86668077-C-T. GRCh37 (hg19) VCF-style: chr8-87680305-C-T.
Other names: short protein forms M195I.
Identifiers: ClinVar variation 2139125 (VCV002139125.1), dbSNP rs201255984, ClinGen allele CA4800347.
Genomic context (GRCh38, chr8:86,668,077, plus strand): 5'-ACCTGTGTATGAATCTATGCTGTTTGGAAGTTTAATTCGCTTTAAGTACTCTGTTAAAGG[C>T]ATCTTTTTGACTTTGAACCACAACAGCCTGTAGTAATGTTCTGTTGGCTTATCATCGCTT-3'
Protein context (NP_061971.3, residues 185-205): YRLLWFKVKK[Met195Ile]PLTEYLKRIK